The following is an entry in ClinVar:

ClinVar aggregate classification (germline): Benign/Likely benign. Review status: criteria provided, multiple submitters, no conflicts (2 of 4 stars). 2 submissions from 2 submitters: Benign (1); Likely benign (1). Last evaluated 2025-12-09.

Conditions:
NBEAL2-related disorder. Also called: NBEAL2-related condition.

gnomAD v4.1: 1,071 of 1,587,338 alleles (0.067%); highest among the groups gnomAD compares: South Asian, 1.2%; 11 homozygotes.

Submissions (2):

Labcorp Genetics (formerly Invitae), Labcorp
Classification: Benign. Last evaluated: 2025-12-09. Review status: criteria provided, single submitter. Criteria: Invitae Variant Classification Sherloc (09022015). Collection method: clinical testing. Allele origin: germline.

PreventionGenetics, part of Exact Sciences
Classification: Likely benign for NBEAL2-related condition. Last evaluated: 2025-06-01. Review status: criteria provided, single submitter. Criteria: ACMG Guidelines, 2015. Collection method: clinical testing. Allele origin: germline.
Comment: This variant is classified as likely benign based on ACMG/AMP sequence variant interpretation guidelines (Richards et al. 2015 PMID: 25741868, with internal and published modifications).

NM_015175.3(NBEAL2):c.3659C>T (p.Ser1220Phe)

Gene: NBEAL2 (neurobeachin like 2; plus strand). Cytogenetic location: 3p21.31.
Variant type: single nucleotide variant.
Coding change: c.3659C>T on transcript NM_015175.3 (MANE Select); coding-DNA position 3659, C replaced by T.
Protein change: p.Ser1220Phe; replaces serine 1220 with phenylalanine.
Molecular consequence: missense variant.
Genome position (GRCh38, 1-based): chr3:46,999,430, C>T. VCF-style: chr3-46999430-C-T. GRCh37 (hg19) VCF-style: chr3-47040920-C-T.
Other names: c.3557C>T, p.Ser1186Phe (NM_001365116.2); short protein forms S1186F, S1220F.
Identifiers: ClinVar variation 4796905 (VCV004796905.2).